The following is an entry in ClinVar:

NM_080911.3(UNG):c.732G>A (p.Gln244=)

Gene: UNG (uracil DNA glycosylase; plus strand). Cytogenetic location: 12q24.11.
Variant type: single nucleotide variant.
Coding change: c.732G>A on transcript NM_080911.3 (MANE Select); coding-DNA position 732, G replaced by A.
Protein change: p.Gln244=; no amino-acid change (glutamine 244 retained).
Molecular consequence: synonymous variant.
Genome position (GRCh38, 1-based): chr12:109,103,542, G>A. VCF-style: chr12-109103542-G-A. GRCh37 (hg19) VCF-style: chr12-109541347-G-A.
Other names: c.732G>A (LRG_124t1); c.705G>A, p.Gln235= (NM_003362.4).
Identifiers: ClinVar variation 36895 (VCV000036895.4), dbSNP rs193922715, ClinGen allele CA214388.

ClinVar aggregate classification (germline): Likely benign (1 of 4 stars; one submission).

Conditions:
Hyper-IgM syndrome type 5 (HIGM5). Also called: Hyper-IgM Immunodeficiency Syndrome, Type 5. Identifiers: Orphanet 101092, MedGen C1720958, MONDO:0011971, OMIM 608106.

Submission:

Women's Health and Genetics/Laboratory Corporation of America, LabCorp
Classification: Likely benign for Hyper IgM Syndrome Type 5. Last evaluated: 2011-08-18. Review status: criteria provided, single submitter. Criteria: LabCorp Variant Classification Summary - May 2015. Collection method: curation. Allele origin: germline. Inheritance: autosomal unknown. Affected: yes.
ClinVar note: Converted during submission from likely benign to Likely benign.